The following is an entry in ClinVar:

ClinVar aggregate classification (germline): Uncertain significance (1 of 4 stars; one submission).

Conditions:
EGFR-related lung cancer (EGFR). Identifiers: MedGen CN130014.

gnomAD v4.1: 5 of 1,614,206 alleles (0.00031%); highest among the groups gnomAD compares: Admixed American, 0.0033%; no homozygotes.

Submission:

Labcorp Genetics (formerly Invitae), Labcorp
Classification: Uncertain significance for EGFR-related lung cancer. Last evaluated: 2025-05-08. Review status: criteria provided, single submitter. Criteria: Invitae Variant Classification Sherloc (09022015). Collection method: clinical testing. Allele origin: germline.
Comment: This sequence change replaces threonine, which is neutral and polar, with methionine, which is neutral and non-polar, at codon 415 of the EGFR protein (p.Thr415Met). This variant is not present in population databases (gnomAD no frequency). This variant has not been reported in the literature in individuals affected with EGFR-related conditions. ClinVar contains an entry for this variant (Variation ID: 964453). Invitae Evidence Modeling of protein sequence and biophysical properties (such as structural, functional, and spatial information, amino acid conservation, physicochemical variation, residue mobility, and thermodynamic stability) indicates that this missense variant is not expected to disrupt EGFR protein function with a negative predictive value of 80%. In summary, the available evidence is currently insufficient to determine the role of this variant in disease. Therefore, it has been classified as a Variant of Uncertain Significance.

NM_005228.5(EGFR):c.1244C>T (p.Thr415Met)

Gene: EGFR (epidermal growth factor receptor; plus strand). Cytogenetic location: 7p11.2.
Variant type: single nucleotide variant.
Coding change: c.1244C>T on transcript NM_005228.5 (MANE Select); coding-DNA position 1244, C replaced by T.
Protein change: p.Thr415Met; replaces threonine 415 with methionine.
Molecular consequence: missense variant.
Genome position (GRCh38, 1-based): chr7:55,157,699, C>T. VCF-style: chr7-55157699-C-T. GRCh37 (hg19) VCF-style: chr7-55225392-C-T.
Other names: c.1109C>T, p.Thr370Met (NM_001346897.2, NM_001346899.2); c.1244C>T, p.Thr415Met (NM_001346898.2, NM_201282.2, NM_201284.2); c.1085C>T, p.Thr362Met (NM_001346900.2); c.443C>T, p.Thr148Met (NM_001346941.2); short protein forms T362M, T370M, T415M, T148M.
Identifiers: ClinVar variation 964453 (VCV000964453.9), dbSNP rs1274543317, ClinGen allele CA367579172.